The following is an entry in ClinVar:

NM_025132.4(WDR19):c.3823C>G (p.Pro1275Ala)

Gene: WDR19 (WD repeat domain 19; plus strand). Cytogenetic location: 4p14.
Variant type: single nucleotide variant.
Coding change: c.3823C>G on transcript NM_025132.4 (MANE Select); coding-DNA position 3823, C replaced by G.
Protein change: p.Pro1275Ala; replaces proline 1275 with alanine.
Molecular consequence: missense variant.
Genome position (GRCh38, 1-based): chr4:39,277,126, C>G. VCF-style: chr4-39277126-C-G. GRCh37 (hg19) VCF-style: chr4-39278746-C-G.
Other names: c.3343C>G, p.Pro1115Ala (NM_001317924.2); short protein forms P1115A, P1275A.
Identifiers: ClinVar variation 858859 (VCV000858859.16), dbSNP rs200670161, ClinGen allele CA2892490.

ClinVar aggregate classification (germline): Uncertain significance. Review status: criteria provided, multiple submitters, no conflicts (2 of 4 stars). 10 submissions from 10 submitters: Uncertain significance (6). 4 of the submissions do not count toward it. Last evaluated 2024-09-13.

Conditions:
Asphyxiating thoracic dystrophy 5 (SRTD5). Also called: SHORT-RIB THORACIC DYSPLASIA 5 WITH OR WITHOUT POLYDACTYLY; SHORT-RIB THORACIC DYSPLASIA 5 WITHOUT POLYDACTYLY. Identifiers: Orphanet 474, MedGen C3280598, MONDO:0013717, OMIM 614376.
Senior-Loken syndrome 8 (SLSN8). Identifiers: Orphanet 3156, MedGen C4225376, MONDO:0014579, OMIM 616307.
Inborn genetic diseases. Identifiers: MedGen C0950123, MeSH D030342.
Nephronophthisis 13 (NPHP13). Identifiers: Orphanet 655, MedGen C3280612, MONDO:0013718, OMIM 614377.
Cranioectodermal dysplasia 4 (CED4). Identifiers: Orphanet 1515, MedGen C3280616, MONDO:0013719, OMIM 614378.
Spermatogenic failure 72 (SPGF72). Identifiers: MedGen C5676980, MONDO:0030809, OMIM 619867.
WDR19-related disorder. Also called: WDR19-related condition; WDR19-related disorders. Identifiers: MedGen CN380161.

Allele frequency attached by ClinVar (database versions not stated): ExAC 0.00016; gnomAD exomes 0.00017; gnomAD 0.00027; TOPMed 0.00038; 1000 Genomes Project 0.00060; 1000 Genomes Project 30x 0.00078.
gnomAD v4.1: 289 of 1,610,480 alleles (0.018%); highest among the groups gnomAD compares: Middle Eastern, 0.066%; 1 homozygote.

Submissions (10):

Blueprint Genetics
Classification: Uncertain significance. Last evaluated: 2024-09-13. Review status: criteria provided, single submitter. Criteria: ACMG Guidelines, 2015. Collection method: clinical testing. Allele origin: germline.

Fulgent Genetics
Classification: Uncertain significance for Asphyxiating thoracic dystrophy 5; Nephronophthisis 13; Cranioectodermal dysplasia 4; Senior-Loken syndrome 8; Spermatogenic failure 72. Last evaluated: 2024-06-17. Review status: criteria provided, single submitter. Criteria: ACMG Guidelines, 2015. Collection method: clinical testing. Allele origin: germline.

Labcorp Genetics (formerly Invitae), Labcorp
Classification: Uncertain significance for Senior-Loken syndrome 8; Asphyxiating thoracic dystrophy 5. Last evaluated: 2022-10-04. Review status: criteria provided, single submitter. Criteria: Invitae Variant Classification Sherloc (09022015). Collection method: clinical testing. Allele origin: germline.
Comment: This sequence change replaces proline, which is neutral and non-polar, with alanine, which is neutral and non-polar, at codon 1275 of the WDR19 protein (p.Pro1275Ala). This variant is present in population databases (rs200670161, gnomAD 0.05%). This variant has not been reported in the literature in individuals affected with WDR19-related conditions. ClinVar contains an entry for this variant (Variation ID: 858859). Algorithms developed to predict the effect of missense changes on protein structure and function (SIFT, PolyPhen-2, Align-GVGD) all suggest that this variant is likely to be disruptive. In summary, the available evidence is currently insufficient to determine the role of this variant in disease. Therefore, it has been classified as a Variant of Uncertain Significance.

AiLife Diagnostics
Classification: Uncertain significance. Last evaluated: 2022-03-24. Review status: criteria provided, single submitter. Criteria: ACMG Guidelines, 2015. Collection method: clinical testing. Allele origin: germline. Affected: yes. Observed: 1 variant allele.

Ambry Genetics
Classification: Uncertain significance for Inborn genetic diseases. Last evaluated: 2021-10-18. Review status: criteria provided, single submitter. Criteria: Ambry Variant Classification Scheme 2023. Collection method: clinical testing. Allele origin: germline.

Breakthrough Genomics
Classification: Uncertain significance. Review status: criteria provided, single submitter. Criteria: ACMG Guidelines, 2015. Collection method: not provided. Allele origin: germline. Inheritance: Autosomal recessive inheritance. Affected: yes.

PreventionGenetics, part of Exact Sciences
Classification: Uncertain significance for WDR19-related condition. Last evaluated: 2024-08-04. Review status: no assertion criteria provided. Collection method: clinical testing. Allele origin: germline. Not counted in ClinVar's aggregate classification.
Comment: The WDR19 c.3823C>G variant is predicted to result in the amino acid substitution p.Pro1275Ala. To our knowledge, this variant has not been reported in the literature. This variant is reported in 0.044% of alleles in individuals of Latino descent in gnomAD. At this time, the clinical significance of this variant is uncertain due to the absence of conclusive functional and genetic evidence.

Clinical Genetics DNA and cytogenetics Diagnostics Lab, Erasmus MC, Erasmus Medical Center
Classification: Uncertain significance. Review status: no assertion criteria provided. Collection method: clinical testing. Allele origin: germline. Affected: yes. Study: VKGL Data-share Consensus. Not counted in ClinVar's aggregate classification.

Clinical Genetics, Academic Medical Center
Classification: Uncertain significance. Review status: no assertion criteria provided. Collection method: clinical testing. Allele origin: germline. Affected: yes. Study: VKGL Data-share Consensus. Not counted in ClinVar's aggregate classification.

Laboratory of Diagnostic Genome Analysis, Leiden University Medical Center (LUMC)
Classification: Uncertain significance. Review status: no assertion criteria provided. Collection method: clinical testing. Allele origin: germline. Affected: yes. Study: VKGL Data-share Consensus. Not counted in ClinVar's aggregate classification.